The following is an entry in ClinVar:

NM_004656.4(BAP1):c.1165C>T (p.Arg389Cys)

Gene: BAP1 (BRCA1 associated deubiquitinase 1; minus strand). Cytogenetic location: 3p21.1.
Variant type: single nucleotide variant.
Coding change: c.1165C>T on transcript NM_004656.4 (MANE Select); coding-DNA position 1165, C replaced by T.
Protein change: p.Arg389Cys; replaces arginine 389 with cysteine.
Molecular consequence: missense variant.
Genome position (GRCh38, 1-based): chr3:52,404,538, G>A on the plus strand (C>T on the coding strand, the complement: BAP1 is on the minus strand). VCF-style: chr3-52404538-G-A. GRCh37 (hg19) VCF-style: chr3-52438554-G-A.
Other names: short protein forms R389C.
Identifiers: ClinVar variation 472659 (VCV000472659.25), dbSNP rs373809972, ClinGen allele CA2436884.

ClinVar aggregate classification (germline): Conflicting classifications of pathogenicity. Review status: criteria provided, conflicting classifications (1 of 4 stars). 6 submissions from 6 submitters: Uncertain significance (5); Benign (1). Last evaluated 2025-10-27.

Conditions:
BAP1-related tumor predisposition syndrome (TPDS1). Also called: BAP1 tumor predisposition syndrome; COMMON Syndrome; TUMOR PREDISPOSITION SYNDROME 1; Tumor susceptibility linked to germline BAP1 mutations. Identifiers: Orphanet 289539, MedGen C3280492, MONDO:0013692, OMIM 614327.
Hereditary cancer-predisposing syndrome. Also called: Neoplastic Syndromes, Hereditary; Tumor predisposition; Hereditary Cancer Syndrome; Hereditary neoplastic syndrome. Identifiers: Orphanet 140162, MedGen C0027672, MeSH D009386, MONDO:0015356.

Allele frequency attached by ClinVar (database versions not stated): ExAC 0.00001; gnomAD 0.00001; gnomAD exomes 0.00001; TOPMed 0.00002.
gnomAD v4.1: 16 of 1,613,902 alleles (0.00099%); highest among the groups gnomAD compares: Admixed American, 0.0033%; no homozygotes.

Submissions (6):

Labcorp Genetics (formerly Invitae), Labcorp
Classification: Uncertain significance for BAP1-related tumor predisposition syndrome. Last evaluated: 2025-10-27. Review status: criteria provided, single submitter. Criteria: Invitae Variant Classification Sherloc (09022015). Collection method: clinical testing. Allele origin: germline.
Comment: This sequence change replaces arginine, which is basic and polar, with cysteine, which is neutral and slightly polar, at codon 389 of the BAP1 protein (p.Arg389Cys). This variant is present in population databases (rs373809972, gnomAD 0.006%). This missense change has been observed in individual(s) with colorectal cancer,squamous cell carcinoma, and basal cell carcinoma (PMID: 29212164). ClinVar contains an entry for this variant (Variation ID: 472659). Invitae Evidence Modeling of protein sequence and biophysical properties (such as structural, functional, and spatial information, amino acid conservation, physicochemical variation, residue mobility, and thermodynamic stability) indicates that this missense variant is not expected to disrupt BAP1 protein function with a negative predictive value of 80%. In summary, the available evidence is currently insufficient to determine the role of this variant in disease. Therefore, it has been classified as a Variant of Uncertain Significance.

Center for Genomic Medicine, Rigshospitalet, Copenhagen University Hospital
Classification: Uncertain significance. Last evaluated: 2025-03-04. Review status: criteria provided, single submitter. Criteria: ACMG Guidelines, 2015. Collection method: clinical testing. Allele origin: germline.

Ambry Genetics
Classification: Benign for Hereditary cancer-predisposing syndrome. Last evaluated: 2024-11-18. Review status: criteria provided, single submitter. Criteria: Ambry Variant Classification Scheme 2023. Collection method: clinical testing. Allele origin: germline.

GeneDx
Classification: Uncertain significance. Last evaluated: 2024-08-27. Review status: criteria provided, single submitter. Criteria: GeneDx Variant Classification Process June 2021. Collection method: clinical testing. Allele origin: germline. Affected: yes.
Comment: Not observed at significant frequency in large population cohorts (gnomAD); In silico analysis indicates that this missense variant does not alter protein structure/function; Observed in an individual with colon and skin cancer (PMID: 29212164); This variant is associated with the following publications: (PMID: 29371009, 23526420, 29212164)

Color Diagnostics, LLC DBA Color Health
Classification: Uncertain significance for Hereditary cancer-predisposing syndrome. Last evaluated: 2024-04-30. Review status: criteria provided, single submitter. Criteria: ACMG Guidelines, 2015. Collection method: clinical testing. Allele origin: germline.
Comment: This missense variant replaces arginine with cysteine at codon 389 of the BAP1 protein. Computational prediction suggests that this variant may not impact protein structure and function. To our knowledge, functional studies have not been reported for this variant. This variant has been reported in an individual affected with colorectal cancer, squamous cell carcinoma, and basal cell carcinoma (PMID: 29212164). This variant has been identified in 3/247856 chromosomes in the general population by the Genome Aggregation Database (gnomAD). The available evidence is insufficient to determine the role of this variant in disease conclusively. Therefore, this variant is classified as a Variant of Uncertain Significance.

Baylor Genetics
Classification: Uncertain significance for BAP1-related tumor predisposition syndrome. Last evaluated: 2023-07-12. Review status: criteria provided, single submitter. Criteria: ACMG Guidelines, 2015. Collection method: clinical testing. Allele origin: unknown.

Literature cited by the submitters: PubMed 29212164 (cited by Labcorp Genetics (formerly Invitae), Labcorp and Color Diagnostics, LLC DBA Color Health); PubMed 38969833 (cited by Ambry Genetics).